The following is an entry in ClinVar:

NM_001379500.1(COL18A1):c.107-12244del

Gene: COL18A1 (collagen type XVIII alpha 1 chain; plus strand). Cytogenetic location: 21q22.3.
Variant type: Deletion.
Coding change: c.107-12244del on transcript NM_001379500.1 (MANE Select); 12244 bases into the intron before coding-DNA position 107, one base deleted (G; older notation c.107-12244delG).
Molecular consequence: intron variant. On other transcripts: frameshift variant (2).
Genome position (GRCh38, 1-based): chr21:45,455,998, G deleted; the last of 3 consecutive G bases (chr21:45,455,996-45,455,998); deleting any one gives the same sequence. VCF-style (leftmost placement, unchanged base first): chr21-45455995-TG-T. GRCh37 (hg19) VCF-style: chr21-46875909-TG-T.
Other names: c.468del, p.Pro157fs (NM_030582.4, NM_130444.3); short protein forms P157fs.
Identifiers: ClinVar variation 2071415 (VCV002071415.1), dbSNP rs2517513373, ClinGen allele CA2580098912.

ClinVar aggregate classification (germline): Uncertain significance (1 of 4 stars; one submission).

Submission:

Labcorp Genetics (formerly Invitae), Labcorp
Classification: Uncertain significance. Last evaluated: 2022-08-09. Review status: criteria provided, single submitter. Criteria: Invitae Variant Classification Sherloc (09022015). Collection method: clinical testing. Allele origin: germline.
Comment: The COL18A1 gene has multiple clinically relevant transcripts. This variant occurs in alternate transcript NM_030582.4, and corresponds to NM_130445.3:c.107-12244del in the primary transcript. This sequence change creates a premature translational stop signal (p.Pro157Leufs*147) in the COL18A1 gene. However, it is currently unclear if variants that occur in this region of the gene cause disease. This variant is not present in population databases (gnomAD no frequency). This variant has not been reported in the literature in individuals affected with COL18A1-related conditions. In summary, the available evidence is currently insufficient to determine the role of this variant in disease. Therefore, it has been classified as a Variant of Uncertain Significance.